The following is an entry in ClinVar:

NM_001673.5(ASNS):c.1652C>T (p.Thr551Met)

Genes: ASNS (asparagine synthetase (glutamine-hydrolyzing); minus strand), CZ1P-ASNS (CZ1P-ASNS readthrough; minus strand). Cytogenetic location: 7q21.3.
Variant type: single nucleotide variant.
Coding change: c.1652C>T on transcript NM_001673.5 (MANE Select); coding-DNA position 1652, C replaced by T.
Protein change: p.Thr551Met; replaces threonine 551 with methionine.
Molecular consequence: missense variant. On other transcripts: non-coding transcript variant (1).
Genome position (GRCh38, 1-based): chr7:97,852,293, G>A on the plus strand (C>T on the coding strand, the complement: ASNS is on the minus strand). VCF-style: chr7-97852293-G-A. GRCh37 (hg19) VCF-style: chr7-97481605-G-A.
Other names: c.1589C>T, p.Thr530Met (NM_001178075.2); c.1403C>T, p.Thr468Met (NM_001178076.2, NM_001178077.1); c.1652C>T, p.Thr551Met (NM_001352496.2, NM_133436.3, NM_183356.4); short protein forms T530M, T468M, T551M.
Identifiers: ClinVar variation 1410247 (VCV001410247.4), dbSNP rs532710533, ClinGen allele CA4354460.

ClinVar aggregate classification (germline): Uncertain significance. Review status: criteria provided, multiple submitters, no conflicts (2 of 4 stars). 2 submissions from 2 submitters: Uncertain significance (2). Last evaluated 2024-03-08.

Allele frequency attached by ClinVar (database versions not stated): ExAC 0.00002; gnomAD exomes 0.00002 and 0.00003; gnomAD 0.00003 and 0.00004; TOPMed 0.00003; 1000 Genomes Project 0.00020; 1000 Genomes Project 30x 0.00031.
gnomAD v4.1: 45 of 1,614,086 alleles (0.0028%); highest among the groups gnomAD compares: African/African-American, 0.011%; no homozygotes.

Submissions (2):

Blueprint Genetics
Classification: Uncertain significance. Last evaluated: 2024-03-08. Review status: criteria provided, single submitter. Criteria: ACMG Guidelines, 2015. Collection method: clinical testing. Allele origin: germline.

Labcorp Genetics (formerly Invitae), Labcorp
Classification: Uncertain significance. Last evaluated: 2022-08-15. Review status: criteria provided, single submitter. Criteria: Invitae Variant Classification Sherloc (09022015). Collection method: clinical testing. Allele origin: germline.
Comment: This sequence change replaces threonine, which is neutral and polar, with methionine, which is neutral and non-polar, at codon 551 of the ASNS protein (p.Thr551Met). This variant is present in population databases (rs532710533, gnomAD 0.006%). This variant has not been reported in the literature in individuals affected with ASNS-related conditions. ClinVar contains an entry for this variant (Variation ID: 1410247). Advanced modeling of protein sequence and biophysical properties (such as structural, functional, and spatial information, amino acid conservation, physicochemical variation, residue mobility, and thermodynamic stability) performed at Invitae indicates that this missense variant is expected to disrupt ASNS protein function. In summary, the available evidence is currently insufficient to determine the role of this variant in disease. Therefore, it has been classified as a Variant of Uncertain Significance.